The following is an entry in ClinVar:

ClinVar aggregate classification (germline): Likely benign (1 of 4 stars; one submission).

gnomAD v4.1: 1 of 1,611,202 alleles (0.000062%); highest among the groups gnomAD compares: Non-Finnish European, 0.000085%; no homozygotes.

Submission:

CeGaT Center for Human Genetics Tuebingen
Classification: Likely benign. Last evaluated: 2024-12-01. Review status: criteria provided, single submitter. Criteria: CeGaT Center For Human Genetics Tuebingen Variant Classification Criteria Version 2. Collection method: clinical testing. Allele origin: germline. Affected: yes. Observed: 1 variant allele.
Comment: PHIP: BP4, BP7

NM_017934.7(PHIP):c.3576C>G (p.Ala1192=)

Genes: IRAK1BP1 (interleukin 1 receptor associated kinase 1 binding protein 1; plus strand), PHIP (PHIP subunit of CUL4-Ring ligase complex; minus strand). Cytogenetic location: 6q14.1.
Variant type: single nucleotide variant.
Coding change: c.3576C>G on transcript NM_017934.7 (MANE Select); coding-DNA position 3576, C replaced by G.
Protein change: p.Ala1192=; no amino-acid change (alanine 1192 retained).
Molecular consequence: synonymous variant.
Genome position (GRCh38, 1-based): chr6:78,961,770, G>C on the plus strand (C>G on the coding strand, the complement: PHIP is on the minus strand). VCF-style: chr6-78961770-G-C. GRCh37 (hg19) VCF-style: chr6-79671487-G-C.
Identifiers: ClinVar variation 3771587 (VCV003771587.13).